The following is an entry in ClinVar:

ClinVar aggregate classification (germline): Benign (0 of 4 stars; one submission).

Conditions:
MRM2-related disorder. Also called: MRM2-related condition.

Allele frequency attached by ClinVar (database versions not stated): gnomAD exomes 0.00026; TOPMed 0.00048; gnomAD 0.00053; ExAC 0.00073; 1000 Genomes Project 30x 0.00219; 1000 Genomes Project 0.00260.
gnomAD v4.1: 478 of 1,613,674 alleles (0.03%); highest among the groups gnomAD compares: East Asian, 0.8%; 3 homozygotes.

Submission:

PreventionGenetics, part of Exact Sciences
Classification: Benign for MRM2-related condition. Last evaluated: 2020-03-30. Review status: no assertion criteria provided. Collection method: clinical testing. Allele origin: germline.
Comment: This variant is classified as benign based on ACMG/AMP sequence variant interpretation guidelines (Richards et al. 2015 PMID: 25741868, with internal and published modifications).

NM_013393.3(MRM2):c.715G>A (p.Gly239Arg)

Gene: MRM2 (mitochondrial rRNA methyltransferase 2; minus strand). Cytogenetic location: 7p22.3.
Variant type: single nucleotide variant.
Coding change: c.715G>A on transcript NM_013393.3 (MANE Select); coding-DNA position 715, G replaced by A.
Protein change: p.Gly239Arg; replaces glycine 239 with arginine.
Molecular consequence: missense variant.
Genome position (GRCh38, 1-based): chr7:2,235,148, C>T on the plus strand (G>A on the coding strand, the complement: MRM2 is on the minus strand). VCF-style: chr7-2235148-C-T. GRCh37 (hg19) VCF-style: chr7-2274783-C-T.
Other names: short protein forms G239R.
Identifiers: ClinVar variation 3034790 (VCV003034790.2), dbSNP rs116841803, ClinGen allele CA4123911.